The following is an entry in ClinVar:

ClinVar aggregate classification (germline): Pathogenic. Review status: reviewed by expert panel (3 of 4 stars). 2 submissions from 2 submitters: Pathogenic (1). 1 of the submissions does not count toward it. Last evaluated 2016-10-18.

Conditions:
Breast-ovarian cancer, familial, susceptibility to, 1 (BROVCA1). Also called: BRCA1 Hereditary Breast and Ovarian Cancer; OVARIAN CANCER, SUSCEPTIBILITY TO. Identifiers: Orphanet 145, MedGen C2676676, MONDO:0011450, OMIM 604370. Disease mechanism: loss of function.

Submissions (2):

Evidence-based Network for the Interpretation of Germline Mutant Alleles (ENIGMA)
Classification: Pathogenic for Breast-ovarian cancer, familial, susceptibility to, 1. Last evaluated: 2016-10-18. Review status: reviewed by expert panel. Criteria: ENIGMA BRCA1/2 Classification Criteria (2015). Collection method: curation. Allele origin: germline.
Comment: Variant allele predicted to encode a truncated non-functional protein.

Consortium of Investigators of Modifiers of BRCA1/2 (CIMBA), c/o University of Cambridge
Classification: Pathogenic for Breast-ovarian cancer, familial, susceptibility to, 1. Last evaluated: 2015-10-02. Review status: criteria provided, single submitter. Criteria: CIMBA Mutation Classification guidelines May 2016. Collection method: clinical testing. Allele origin: germline. Not counted in ClinVar's aggregate classification.

NM_007294.4(BRCA1):c.3308_3309insC (p.Cys1103_Lys1104insTer)

Genes: BRCA1 (BRCA1 DNA repair associated; minus strand), LOC126862571 (BRD4-independent group 4 enhancer GRCh37_chr17:41243136-41244335; plus strand). Cytogenetic location: 17q21.31.
Variant type: Insertion.
Coding change: c.3308_3309insC on transcript NM_007294.4 (MANE Select); coding-DNA positions 3308 to 3309, C inserted.
Protein change: p.Cys1103_Lys1104insTer.
Molecular consequence: frameshift variant. On other transcripts: intron variant (137).
Genome position: GRCh38 VCF-style: chr17-43092222-A-AG. GRCh37 (hg19) VCF-style: chr17-41244239-A-AG.
Other names: 3427insC; c.3308_3309insC, p.Cys1103_Lys1104insTer (NM_001407859.1, NM_007300.4, NM_001407581.1 and 30 more transcripts); c.3305_3306insC, p.Cys1102_Lys1103insTer (NM_001407860.1, NM_001407861.1, NM_001407587.1 and 22 more transcripts); c.3107_3108insC, p.Cys1036_Lys1037insTer (NM_001407862.1); c.3185_3186insC, p.Cys1062_Lys1063insTer (NM_001407863.1, NM_001407919.1, NM_001407937.1 and 19 more transcripts); c.3104_3105insC, p.Cys1035_Lys1036insTer (NM_001407874.1, NM_001407875.1); c.3098_3099insC, p.Cys1033_Lys1034insTer (NM_001407879.1, NM_001407881.1, NM_001407882.1 and 13 more transcripts); c.3095_3096insC, p.Cys1032_Lys1033insTer (NM_001407894.1, NM_001407895.1, NM_001407896.1 and 9 more transcripts); and 42 more.
Identifiers: ClinVar variation 266353 (VCV000266353.6), dbSNP rs886040113, ClinGen allele CA10589767.
Genomic context (GRCh38, chr17:43,092,222, plus strand): 5'-ATCTGTATTAACAGTCTGAACTACTTCTTCATATTCTTGCTTTTTTATTTCAGGATGCTT[A>AG]CAATTACTTCCAGGAAGACTTTGTTTATAGACCTCAGGTTGCAAAACCCCTAATCTAAGC-3'